The following is an entry in ClinVar:

NM_004006.3(DMD):c.1812+1G>A

Gene: DMD (dystrophin; minus strand). Cytogenetic location: Xp21.1.
Variant type: single nucleotide variant.
Coding change: c.1812+1G>A on transcript NM_004006.3 (MANE Select); the canonical splice donor site of the intron after coding-DNA position 1812, G replaced by A.
Molecular consequence: splice donor variant.
Genome position (GRCh38, 1-based): chrX:32,573,529, C>T on the plus strand (G>A on the coding strand, the complement: DMD is on the minus strand). VCF-style: chrX-32573529-C-T. GRCh37 (hg19) VCF-style: chrX-32591646-C-T.
Other names: c.1788+1G>A (NM_000109.4); c.1800+1G>A (NM_004009.3); c.1443+1G>A (NM_004010.3).
Identifiers: ClinVar variation 162497 (VCV000162497.69), dbSNP rs373286166, ClinGen allele CA273064.

ClinVar aggregate classification (germline): Pathogenic/Likely pathogenic. Review status: criteria provided, multiple submitters, no conflicts (2 of 4 stars). 23 submissions from 19 submitters: Pathogenic (14); Likely pathogenic (4). 5 of the submissions do not count toward it. Last evaluated 2026-04-07.

Conditions:
Dilated and arrhythmogenic cardiomyopathy.
Becker muscular dystrophy, Cardiomyopathy, Duchenne muscular dystrophy, Dystrophin deficiency.
Dilated cardiomyopathy 3B (CMD3B). Also called: CMD3B: DMD-Related Dilated Cardiomyopathy; CARDIOMYOPATHY, DILATED, X-LINKED; DMD-Associated Dilated Cardiomyopathy. Identifiers: Orphanet 154, MedGen C3668940, MONDO:0010542, OMIM 302045.
Duchenne muscular dystrophy (DMD). Also called: Duchenne Muscular Dystrophy (DMD); MUSCULAR DYSTROPHY, PSEUDOHYPERTROPHIC PROGRESSIVE, DUCHENNE TYPE. Identifiers: Orphanet 98896, MedGen C0013264, MONDO:0010679, OMIM 310200.
Becker muscular dystrophy (BMD). Also called: Becker Muscular Dystrophy (BMD); MUSCULAR DYSTROPHY, PSEUDOHYPERTROPHIC PROGRESSIVE, BECKER TYPE. Identifiers: Orphanet 98895, MedGen C0917713, MONDO:0010311, OMIM 300376.
Neuromuscular disease caused by qualitative or quantitative defects of dystrophin. Also called: Qualitative or quantitative defects of dystrophin. Identifiers: Orphanet 207085, MedGen C5679787, MONDO:0016147.
Cardiovascular phenotype. Identifiers: MedGen CN230736.

Allele frequency attached by ClinVar (database versions not stated): ExAC 0.00002; gnomAD exomes 0.00005 and 0.00002; ESP Exome Variant Server 0.00009; gnomAD 0.00003; TOPMed 0.00003.
gnomAD v4.1: 58 of 1,202,787 alleles (0.0048%); highest among the groups gnomAD compares: Non-Finnish European, 0.0064%; no homozygotes.

Submissions 1 to 13 of 23:

Ambry Genetics
Classification: Likely pathogenic for Cardiovascular phenotype. Last evaluated: 2026-04-07. Review status: criteria provided, single submitter. Criteria: Ambry Variant Classification Scheme 2023. Collection method: clinical testing. Allele origin: germline.
Comment: The c.1812+1G>A intronic variant results from a G to A substitution one nucleotide after coding exon 15 of the DMD gene. Variants that disrupt the canonical splice site are expected to result in aberrant splicing. In silico splice site analysis predicts that this alteration will weaken the native splice donor site. A resulting transcript is predicted to be in-frame and is not expected to trigger nonsense-mediated mRNA decay; although, direct evidence is unavailable. This variant was reported in individual(s) with features consistent with DMD-related dystrophinopathy (Taylor PJ et al. J Med Genet, 2007 Jun;44:368-72; Flanigan KM et al. Hum Mutat, 2009 Dec;30:1657-66; Lerario A et al. Medicine (Baltimore), 2016 Dec;95:e5567; Neri M et al. Front Genet, 2020 Mar;11:131; Invernizzi F et al. Genes (Basel), 2023 Jul;14:; Ambry internal data). This nucleotide position is highly conserved in available vertebrate species. As such, this alteration is classified as likely pathogenic.

Natera, Inc.
Classification: Pathogenic for Becker muscular dystrophy, Cardiomyopathy, Duchenne muscular dystrophy, Dystrophin deficiency. Last evaluated: 2025-11-27. Review status: criteria provided, single submitter. Criteria: Natera Variant Classification Schema (03/2026). Collection method: clinical testing. Allele origin: germline.
Comment: The c.1812+1G>A variant in DMD is a canonical splice donor site variant predicted to affect pre-mRNA splicing, which may result in an abnormal transcript and altered protein product. This variant is expected to result in nonsense mediated decay, truncation, or a dysfunctional protein product. This variant is rare in the general population with a frequency below the threshold expected for the associated phenotype(s). This variant has been observed in at least one unaffected individual, with a zygosity that is consistent with the inheritance pattern for the associated condition (in gnomAD and/or literature). This variant has been observed in affected individual(s) with monoallelic occurrence (heterozygous/hemizygous) (PMID: 32194622, 27930565, 19937601). Another variant at this same site results in an alteration predicted to cause a similar molecular effect has been observed in individual(s) with the associated phenotype. Given the available evidence, this variant is classified as Pathogenic.

North West Genomic Laboratory Hub, Manchester University NHS Foundation Trust
Classification: Likely pathogenic for Dilated and arrhythmogenic cardiomyopathy. Last evaluated: 2025-10-24. Review status: criteria provided, single submitter. Criteria: ACGS Best Practice Guidelines for Variant Classification in Rare Disease 2024. Collection method: clinical testing. Allele origin: germline. Affected: yes.
Comment: PP4_Mod PS4_Mod PVS1_Mod

Labcorp Genetics (formerly Invitae), Labcorp
Classification: Pathogenic for Duchenne muscular dystrophy. Last evaluated: 2025-09-08. Review status: criteria provided, single submitter. Criteria: Invitae Variant Classification Sherloc (09022015). Collection method: clinical testing. Allele origin: germline.
Comment: This sequence change affects a donor splice site in intron 15 of the DMD gene. RNA analysis indicates that disruption of this splice site induces altered splicing and likely results in a shortened protein product. This variant is present in population databases (rs373286166, gnomAD 0.005%). Disruption of this splice site has been observed in individuals with Becker or Duchenne muscular dystrophy (PMID: 17259292, 19937601, 27930565, 32194622). ClinVar contains an entry for this variant (Variation ID: 162497). Studies have shown that disruption of this splice site results in skipping of exon 15, but is expected to preserve the integrity of the reading-frame (PMID: 27930565). For these reasons, this variant has been classified as Pathogenic.

GeneDx
Classification: Pathogenic. Last evaluated: 2025-04-07. Review status: criteria provided, single submitter. Criteria: GeneDx Variant Classification Process June 2021. Collection method: clinical testing. Allele origin: germline. Affected: yes.
Comment: Deletions involving coding exons of this gene are a known mechanism of disease (HGMD); Destroys the canonical splice donor site in intron 15, and cDNA analysis confirms that c.1812+1 G>A results in the in-frame skipping of exon 15 (PMID: 27930565); Not observed at significant frequency in large population cohorts (gnomAD); This variant is associated with the following publications: (PMID: 37510298, 23871722, 25637381, 25525159, 27930565, 17259292, 32194622, 33726816, 33101180, Torella2023[casereport], 31404137)

Institute of Human Genetics Munich, TUM University Hospital
Classification: Likely pathogenic for Duchenne muscular dystrophy. Last evaluated: 2024-12-30. Review status: criteria provided, single submitter. Criteria: Classification criteria August 2017. Collection method: clinical testing. Allele origin: maternal. Inheritance: X-linked inheritance. Affected: yes. Observed: 1 variant allele.

Fulgent Genetics
Classification: Pathogenic for Becker muscular dystrophy; Dilated cardiomyopathy 3B; Duchenne muscular dystrophy. Last evaluated: 2024-01-19. Review status: criteria provided, single submitter. Criteria: ACMG Guidelines, 2015. Collection method: clinical testing. Allele origin: germline.

Centre of Medical Genetics, University Hospital Muenster
Classification: Pathogenic. Last evaluated: 2023-10-11. Review status: criteria provided, single submitter. Criteria: ACMG Guidelines, 2015. Collection method: clinical testing. Allele origin: unknown. Affected: yes. Observed: 1 variant allele.
Comment: ACMG categories: PVS1,PM1,PP5

Women's Health and Genetics/Laboratory Corporation of America, LabCorp
Classification: Pathogenic for Neuromuscular disease caused by qualitative or quantitative defects of dystrophin. Last evaluated: 2023-02-27. Review status: criteria provided, single submitter. Criteria: LabCorp Variant Classification Summary - May 2015. Collection method: clinical testing. Allele origin: germline.
Comment: Variant summary: DMD c.1812+1G>A is located in a canonical splice-site and is predicted to affect mRNA splicing resulting in a significantly altered protein due to either exon skipping, shortening, or inclusion of intronic material. Several computational tools predict a significant impact on normal splicing: One predict the variant abolishes the canonical 5' splicing donor site. However, these predictions have yet to be confirmed by functional studies. The variant allele was found at a frequency of 1.6e-05 in 182866 control chromosomes (gnomAD). c.1812+1G>A has been reported in the literature in individuals affected with Dystrophinopathies (example: Taylor_2007, Neri_2017, Wang_2019). These data indicate that the variant is likely to be associated with disease. To our knowledge, no experimental evidence demonstrating an impact on protein function has been reported. Ten clinical diagnostic laboratories have submitted clinical-significance assessments for this variant to ClinVar after 2014 and all classified the variant as pathogenic/likely pathogenic. Based on the evidence outlined above, the variant was classified as pathogenic.

CeGaT Center for Human Genetics Tuebingen
Classification: Pathogenic. Last evaluated: 2022-11-01. Review status: criteria provided, single submitter. Criteria: CeGaT Center For Human Genetics Tuebingen Variant Classification Criteria Version 2. Collection method: clinical testing. Allele origin: germline. Affected: yes. Observed: 2 variant alleles.

MGZ Medical Genetics Center
Classification: Likely pathogenic for Becker muscular dystrophy. Last evaluated: 2022-04-22. Review status: criteria provided, single submitter. Criteria: ACMG Guidelines, 2015. Collection method: clinical testing. Allele origin: germline. Affected: yes. Observed: 1 variant allele.
Comment: ACMG criteria applied: PVS1, PM2_SUP

Baylor Genetics
Classification: Pathogenic for Becker muscular dystrophy. Last evaluated: 2022-02-01. Review status: criteria provided, single submitter. Criteria: ACMG Guidelines, 2015. Collection method: clinical testing. Allele origin: unknown.

North West Genomic Laboratory Hub, Manchester University NHS Foundation Trust
Classification: Pathogenic for Duchenne muscular dystrophy; Becker muscular dystrophy; Dilated cardiomyopathy 3B. Last evaluated: 2021-06-30. Review status: criteria provided, single submitter. Criteria: ACMG Guidelines, 2015. Collection method: clinical testing. Allele origin: germline. Affected: yes.
Comment: Criteria Codes: PS3 PS4_Str PP4_Mod